The following is an entry in ClinVar:

NM_000053.4(ATP7B):c.*1385G>A

Genes: ATP7B (ATPase copper transporting beta; minus strand), TMEM272 (transmembrane protein 272; minus strand). Cytogenetic location: 13q14.3.
Variant type: single nucleotide variant.
Coding change: c.*1385G>A on transcript NM_000053.4 (MANE Select); 1385 bases downstream of the stop codon, G replaced by A.
Molecular consequence: 3 prime UTR variant.
Genome position (GRCh38, 1-based): chr13:51,933,371, C>T on the plus strand (G>A on the coding strand, the complement: ATP7B is on the minus strand). VCF-style: chr13-51933371-C-T. GRCh37 (hg19) VCF-style: chr13-52507507-C-T.
Other names: c.*1385G>A (NM_001005918.3, NM_001243182.2, NM_001330578.2 and 1 more transcripts).
Identifiers: ClinVar variation 312354 (VCV000312354.36), dbSNP rs41292780, ClinGen allele CA10644720.

ClinVar aggregate classification (germline): Conflicting classifications of pathogenicity. Review status: criteria provided, conflicting classifications (1 of 4 stars). 2 submissions from 2 submitters: Uncertain significance (1); Benign (1). Last evaluated 2023-07-01.

Conditions:
Wilson disease (WND). Also called: Wilson's disease. Identifiers: Orphanet 905, MedGen C0019202, MONDO:0010200, OMIM 277900. Disease mechanism: loss of function.

Allele frequency attached by ClinVar (database versions not stated): 1000 Genomes Project 30x 0.00750; 1000 Genomes Project 0.00799; TOPMed 0.00922; gnomAD 0.00986 and 0.00987.

Submissions (2):

CeGaT Center for Human Genetics Tuebingen
Classification: Benign. Last evaluated: 2023-07-01. Review status: criteria provided, single submitter. Criteria: CeGaT Center For Human Genetics Tuebingen Variant Classification Criteria Version 2. Collection method: clinical testing. Allele origin: germline. Affected: yes. Observed: 30 variant alleles.
Comment: ATP7B: BS1, BS2

Illumina Laboratory Services, Illumina
Classification: Uncertain significance for Wilson disease. Last evaluated: 2018-01-13. Review status: criteria provided, single submitter. Criteria: ICSL Variant Classification Criteria 13 December 2019. Collection method: clinical testing. Allele origin: germline.